The following is an entry in ClinVar:

NM_025243.4(SLC19A3):c.1300C>T (p.Pro434Ser)

Gene: SLC19A3 (solute carrier family 19 member 3; minus strand). Cytogenetic location: 2q36.3.
Variant type: single nucleotide variant.
Coding change: c.1300C>T on transcript NM_025243.4 (MANE Select); coding-DNA position 1300, C replaced by T.
Protein change: p.Pro434Ser; replaces proline 434 with serine.
Molecular consequence: missense variant.
Genome position (GRCh38, 1-based): chr2:227,688,180, G>A on the plus strand (C>T on the coding strand, the complement: SLC19A3 is on the minus strand). VCF-style: chr2-227688180-G-A. GRCh37 (hg19) VCF-style: chr2-228552896-G-A.
Other names: p.Pro434Ser; c.1300C>T (NM_025243.3); c.1300C>T, p.Pro434Ser (NM_001371411.1, NM_001371412.1); c.1288C>T, p.Pro430Ser (NM_001371413.1, NM_001371414.1); short protein forms P430S, P434S.
Identifiers: ClinVar variation 1016134 (VCV001016134.8), dbSNP rs760162924, ClinGen allele CA66655681.

ClinVar aggregate classification (germline): Uncertain significance. Review status: criteria provided, multiple submitters, no conflicts (2 of 4 stars). 3 submissions from 3 submitters: Uncertain significance (3). Last evaluated 2026-06-03.

Conditions:
Inborn genetic diseases. Identifiers: MedGen C0950123, MeSH D030342.
Biotin-responsive basal ganglia disease (BTBGD). Also called: THIAMINE METABOLISM DYSFUNCTION SYNDROME 2 (BIOTIN- AND THIAMINE-RESPONSIVE TYPE); Thiamine metabolism dysfunction syndrome 2 (biotin- or thiamine-responsive encephalopathy type 2); thiamine-responsive encephalopathy; Thiamine metabolism dysfunction syndrome type 2; Thiamine Transporter-2 Deficiency. Identifiers: Orphanet 199348, Orphanet 65284, MedGen C1843807, MONDO:0011841, OMIM 607483.

Allele frequency attached by ClinVar (database versions not stated): TOPMed 0.00002.
gnomAD v4.1: 50 of 1,613,916 alleles (0.0031%); highest among the groups gnomAD compares: Non-Finnish European, 0.004%; no homozygotes.

Submissions (3):

Ambry Genetics
Classification: Uncertain significance for Inborn genetic diseases. Last evaluated: 2026-06-03. Review status: criteria provided, single submitter. Criteria: Ambry Variant Classification Scheme 2023. Collection method: clinical testing. Allele origin: germline.
Comment: The c.1300C>T (p.P434S) alteration is located in exon 5 (coding exon 4) of the SLC19A3 gene. This alteration results from a C to T substitution at nucleotide position 1300, causing the proline (P) at amino acid position 434 to be replaced by a serine (S). Based on data from gnomAD, the T allele has an overall frequency of <0.001% (1/250900) total alleles studied. The highest observed frequency was 0.001% (1/113260) of European (non-Finnish) alleles. Based on insufficient or conflicting evidence, the clinical significance of this alteration remains unclear.

Mayo Clinic Laboratories, Mayo Clinic
Classification: Uncertain significance. Last evaluated: 2025-04-15. Review status: criteria provided, single submitter. Criteria: ACMG Guidelines, 2015. Collection method: clinical testing. Allele origin: germline. Observed: 1 variant allele.
Comment: BP4_moderate, PM2_supporting

Labcorp Genetics (formerly Invitae), Labcorp
Classification: Uncertain significance for Biotin-responsive basal ganglia disease. Last evaluated: 2022-04-24. Review status: criteria provided, single submitter. Criteria: Invitae Variant Classification Sherloc (09022015). Collection method: clinical testing. Allele origin: germline.
Comment: This sequence change replaces proline, which is neutral and non-polar, with serine, which is neutral and polar, at codon 434 of the SLC19A3 protein (p.Pro434Ser). The frequency data for this variant in the population databases is considered unreliable, as metrics indicate poor data quality at this position in the gnomAD database. This variant has not been reported in the literature in individuals affected with SLC19A3-related conditions. ClinVar contains an entry for this variant (Variation ID: 1016134). Advanced modeling of protein sequence and biophysical properties (such as structural, functional, and spatial information, amino acid conservation, physicochemical variation, residue mobility, and thermodynamic stability) performed at Invitae indicates that this missense variant is not expected to disrupt SLC19A3 protein function. In summary, the available evidence is currently insufficient to determine the role of this variant in disease. Therefore, it has been classified as a Variant of Uncertain Significance.